The following is an entry in ClinVar:

ClinVar aggregate classification (germline): Uncertain significance (1 of 4 stars; one submission).

Conditions:
Hereditary cancer-predisposing syndrome. Also called: Hereditary Cancer Syndrome; Hereditary neoplastic syndrome; Tumor predisposition; Neoplastic Syndromes, Hereditary. Identifiers: Orphanet 140162, MedGen C0027672, MeSH D009386, MONDO:0015356.

Submission:

Ambry Genetics
Classification: Uncertain significance for Hereditary cancer-predisposing syndrome. Last evaluated: 2024-12-20. Review status: criteria provided, single submitter. Criteria: Ambry Variant Classification Scheme 2023. Collection method: clinical testing. Allele origin: germline.
Comment: The p.T817P variant (also known as c.2449A>C), located in coding exon 5 of the PALB2 gene, results from an A to C substitution at nucleotide position 2449. The threonine at codon 817 is replaced by proline, an amino acid with highly similar properties. This amino acid position is well conserved in available vertebrate species; however, proline is the reference amino acid in other vertebrate species. In addition, this alteration is predicted to be tolerated by in silico analysis. Since supporting evidence is limited at this time, the clinical significance of this alteration remains unclear.

NM_024675.4(PALB2):c.2449A>C (p.Thr817Pro)

Gene: PALB2 (partner and localizer of BRCA2; minus strand). Cytogenetic location: 16p12.2.
Variant type: single nucleotide variant.
Coding change: c.2449A>C on transcript NM_024675.4 (MANE Select); coding-DNA position 2449, A replaced by C.
Protein change: p.Thr817Pro; replaces threonine 817 with proline.
Molecular consequence: missense variant.
Genome position (GRCh38, 1-based): chr16:23,629,705, T>G on the plus strand (A>C on the coding strand, the complement: PALB2 is on the minus strand). VCF-style: chr16-23629705-T-G. GRCh37 (hg19) VCF-style: chr16-23641026-T-G.
Other names: c.2389A>C, p.Thr797Pro (NM_001407296.1); c.2449A>C, p.Thr817Pro (NM_001407297.1, NM_001407298.1, NM_001407299.1 and 3 more transcripts); c.1564A>C, p.Thr522Pro (NM_001407304.1, NM_001407305.1, NM_001407306.1 and 5 more transcripts); c.661A>C, p.Thr221Pro (NM_001407312.1, NM_001407313.1); short protein forms T797P, T221P, T817P, T522P.
Identifiers: ClinVar variation 1791435 (VCV001791435.3), dbSNP rs2142372771, ClinGen allele CA395124176.
Genomic context (GRCh38, chr16:23,629,705, plus strand): 5'-CGACGGAATGTTTATGCAGCTCCTGGCATGTGTTTCTACAGAGCTGATTTTCTTTAAAAG[T>G]GAATGACTCAATGGGTGGAGGTGTTCCTGGCGGGACAGAGTCACAGTCACAGGTAGGTTG-3'
Protein context (NP_078951.2, residues 807-827): PGTPPPIESF[Thr817Pro]FKENQLCRNT